The following is an entry in ClinVar:

ClinVar aggregate classification (germline): Uncertain significance (1 of 4 stars; one submission).

Allele frequency attached by ClinVar (database versions not stated): gnomAD exomes 0.00002 and 0.00004; ExAC 0.00008.

Submission:

Labcorp Genetics (formerly Invitae), Labcorp
Classification: Uncertain significance. Last evaluated: 2024-02-17. Review status: criteria provided, single submitter. Criteria: Invitae Variant Classification Sherloc (09022015). Collection method: clinical testing. Allele origin: germline.
Comment: This sequence change replaces methionine, which is neutral and non-polar, with valine, which is neutral and non-polar, at codon 477 of the FERMT1 protein (p.Met477Val). This variant is present in population databases (rs750799920, gnomAD 0.04%). This variant has not been reported in the literature in individuals affected with FERMT1-related conditions. ClinVar contains an entry for this variant (Variation ID: 1357986). Advanced modeling of protein sequence and biophysical properties (such as structural, functional, and spatial information, amino acid conservation, physicochemical variation, residue mobility, and thermodynamic stability) has been performed at Invitae for this missense variant, however the output from this modeling did not meet the statistical confidence thresholds required to predict the impact of this variant on FERMT1 protein function. In summary, the available evidence is currently insufficient to determine the role of this variant in disease. Therefore, it has been classified as a Variant of Uncertain Significance.

NM_017671.5(FERMT1):c.1429A>G (p.Met477Val)

Gene: FERMT1 (FERM domain containing kindlin 1; minus strand). Cytogenetic location: 20p12.3.
Variant type: single nucleotide variant.
Coding change: c.1429A>G on transcript NM_017671.5 (MANE Select); coding-DNA position 1429, A replaced by G.
Protein change: p.Met477Val; replaces methionine 477 with valine.
Molecular consequence: missense variant.
Genome position (GRCh38, 1-based): chr20:6,085,230, T>C on the plus strand (A>G on the coding strand, the complement: FERMT1 is on the minus strand). VCF-style: chr20-6085230-T-C. GRCh37 (hg19) VCF-style: chr20-6065877-T-C.
Other names: short protein forms M477V.
Identifiers: ClinVar variation 1357986 (VCV001357986.7), dbSNP rs750799920, ClinGen allele CA9758134.